The following is an entry in ClinVar:

ClinVar aggregate classification (germline): Uncertain significance (1 of 4 stars; one submission).

Allele frequency attached by ClinVar (database versions not stated): ExAC 0.00003; gnomAD exomes 0.00003; ESP Exome Variant Server 0.00008; gnomAD 0.00009.
gnomAD v4.1: 41 of 1,613,676 alleles (0.0025%); highest among the groups gnomAD compares: African/African-American, 0.021%; no homozygotes.

Submission:

Labcorp Genetics (formerly Invitae), Labcorp
Classification: Uncertain significance. Last evaluated: 2025-03-31. Review status: criteria provided, single submitter. Criteria: Invitae Variant Classification Sherloc (09022015). Collection method: clinical testing. Allele origin: germline.
Comment: This sequence change replaces arginine, which is basic and polar, with histidine, which is basic and polar, at codon 79 of the GPR179 protein (p.Arg79His). This variant is present in population databases (rs200725213, gnomAD 0.03%). This variant has not been reported in the literature in individuals affected with GPR179-related conditions. ClinVar contains an entry for this variant (Variation ID: 1390779). An algorithm developed to predict the effect of missense changes on protein structure and function outputs the following: PolyPhen-2: "Benign". The histidine amino acid residue is found in multiple mammalian species, which suggests that this missense change does not adversely affect protein function. In summary, the available evidence is currently insufficient to determine the role of this variant in disease. Therefore, it has been classified as a Variant of Uncertain Significance.

NM_001004334.4(GPR179):c.236G>A (p.Arg79His)

Gene: GPR179 (G protein-coupled receptor 179; minus strand). Cytogenetic location: 17q12.
Variant type: single nucleotide variant.
Coding change: c.236G>A on transcript NM_001004334.4 (MANE Select); coding-DNA position 236, G replaced by A.
Protein change: p.Arg79His; replaces arginine 79 with histidine.
Molecular consequence: missense variant.
Genome position (GRCh38, 1-based): chr17:38,343,554, C>T on the plus strand (G>A on the coding strand, the complement: GPR179 is on the minus strand). VCF-style: chr17-38343554-C-T. GRCh37 (hg19) VCF-style: chr17-36499437-C-T.
Other names: short protein forms R79H.
Identifiers: ClinVar variation 1390779 (VCV001390779.7), dbSNP rs200725213, ClinGen allele CA290111843.